The following is an entry in ClinVar:

ClinVar aggregate classification (germline): Conflicting classifications of pathogenicity. Review status: criteria provided, conflicting classifications (1 of 4 stars). 7 submissions from 7 submitters: Uncertain significance (6); Likely benign (1). Last evaluated 2026-01-10.

Conditions:
SDHC-related disorder. Also called: SDHC-related condition.
Gastrointestinal stromal tumor. Also called: Gastrointestinal stroma tumor; Gastrointestinal stromal tumor, somatic. Identifiers: Orphanet 44890, MedGen C0238198, MeSH D046152, MONDO:0011719, OMIM 606764, HP:0100723.
Pheochromocytoma/paraganglioma syndrome 3. Also called: SDHC-Related Hereditary Paraganglioma-Pheochromocytoma Syndrome; SDHC-Related Hereditary Paraganglioma-Pheochromocytoma Syndrome (Paragangliomas 3); Paragangliomas 3; GLOMUS TUMORS, FAMILIAL, 3. Identifiers: Orphanet 29072, MedGen C1854336, MONDO:0011544, OMIM 605373.
Hereditary cancer-predisposing syndrome. Also called: Tumor predisposition; Neoplastic Syndromes, Hereditary; Hereditary neoplastic syndrome; Hereditary Cancer Syndrome. Identifiers: Orphanet 140162, MedGen C0027672, MeSH D009386, MONDO:0015356.

Allele frequency attached by ClinVar (database versions not stated): TOPMed 0.00001; ExAC 0.00002; gnomAD 0.00002; gnomAD exomes 0.00003 and 0.00005; ESP Exome Variant Server 0.00008.

Submissions (7):

Labcorp Genetics (formerly Invitae), Labcorp
Classification: Uncertain significance for Pheochromocytoma/paraganglioma syndrome 3; Gastrointestinal stromal tumor. Last evaluated: 2026-01-10. Review status: criteria provided, single submitter. Criteria: Invitae Variant Classification Sherloc (09022015). Collection method: clinical testing. Allele origin: germline.
Comment: This sequence change replaces serine, which is neutral and polar, with alanine, which is neutral and non-polar, at codon 98 of the SDHC protein (p.Ser98Ala). This variant is present in population databases (rs371462564, gnomAD 0.006%). This variant has not been reported in the literature in individuals affected with SDHC-related conditions. ClinVar contains an entry for this variant (Variation ID: 141883). An algorithm developed to predict the effect of missense changes on protein structure and function (PolyPhen-2) suggests that this variant is likely to be tolerated. In summary, the available evidence is currently insufficient to determine the role of this variant in disease. Therefore, it has been classified as a Variant of Uncertain Significance.

PreventionGenetics, part of Exact Sciences
Classification: Uncertain significance for SDHC-related condition. Last evaluated: 2025-02-06. Review status: criteria provided, single submitter. Criteria: ACMG Guidelines, 2015. Collection method: clinical testing. Allele origin: germline.
Comment: The SDHC c.292T>G variant is predicted to result in the amino acid substitution p.Ser98Ala. To our knowledge, this variant has not been reported in the literature. This variant is reported in 0.0063% of alleles in individuals of European (Non-Finnish) descent in gnomAD and is classified as a variant of uncertain significance in ClinVar. At this time, the clinical significance of this variant is uncertain due to the absence of conclusive functional and genetic evidence.

Blueprint Genetics
Classification: Likely benign. Last evaluated: 2024-11-06. Review status: criteria provided, single submitter. Criteria: ACMG Guidelines, 2015. Collection method: clinical testing. Allele origin: germline.

Ambry Genetics
Classification: Uncertain significance for Hereditary cancer-predisposing syndrome. Last evaluated: 2024-10-10. Review status: criteria provided, single submitter. Criteria: Ambry Variant Classification Scheme 2023. Collection method: clinical testing. Allele origin: germline.
Comment: The p.S98A variant (also known as c.292T>G), located in coding exon 5 of the SDHC gene, results from a T to G substitution at nucleotide position 292. The serine at codon 98 is replaced by alanine, an amino acid with similar properties. This amino acid position is well conserved in available vertebrate species. In addition, the in silico prediction for this alteration is inconclusive. Since supporting evidence is limited at this time, the clinical significance of this alteration remains unclear.

Baylor Genetics
Classification: Uncertain significance for Gastrointestinal stromal tumor. Last evaluated: 2024-02-16. Review status: criteria provided, single submitter. Criteria: ACMG Guidelines, 2015. Collection method: clinical testing. Allele origin: unknown.

GeneDx
Classification: Uncertain significance. Last evaluated: 2022-01-20. Review status: criteria provided, single submitter. Criteria: GeneDx Variant Classification Process June 2021. Collection method: clinical testing. Allele origin: germline. Affected: yes.
Comment: Not observed at significant frequency in large population cohorts (gnomAD); In silico analysis, which includes protein predictors and evolutionary conservation, supports that this variant does not alter protein structure/function; Has not been previously published as pathogenic or benign to our knowledge; Also known as p.Ser69Ala; This variant is associated with the following publications: (PMID: 31721781)

Quest Diagnostics Nichols Institute San Juan Capistrano
Classification: Uncertain significance. Last evaluated: 2016-11-03. Review status: criteria provided, single submitter. Criteria: Quest Diagnostics criteria. Collection method: clinical testing. Allele origin: germline.

NM_003001.5(SDHC):c.292T>G (p.Ser98Ala)

Gene: SDHC (succinate dehydrogenase complex subunit C; plus strand). Cytogenetic location: 1q23.3.
Variant type: single nucleotide variant.
Coding change: c.292T>G on transcript NM_003001.5 (MANE Select); coding-DNA position 292, T replaced by G.
Protein change: p.Ser98Ala; replaces serine 98 with alanine.
Molecular consequence: missense variant. On other transcripts: non-coding transcript variant (1), intron variant (3).
Genome position (GRCh38, 1-based): chr1:161,356,727, T>G. VCF-style: chr1-161356727-T-G. GRCh37 (hg19) VCF-style: chr1-161326517-T-G.
Other names: c.181T>G, p.Ser61Ala (NM_001407120.1, NM_001407119.1); c.242-5602T>G (NM_001035511.3); c.140-5602T>G (NM_001278172.3); c.185-5602T>G (NM_001407121.1); c.190T>G, p.Ser64Ala (NM_001035512.3); c.133T>G, p.Ser45Ala (NM_001035513.3); c.412T>G, p.Ser138Ala (NM_001407115.1); c.235T>G, p.Ser79Ala (NM_001407116.1); and 2 more; short protein forms S98A, S64A, S45A, S62A, S77A, S138A, S79A, S61A.
Identifiers: ClinVar variation 141883 (VCV000141883.25), dbSNP rs371462564, ClinGen allele CA011456.
Genomic context (GRCh38, chr1:161,356,727, plus strand): 5'-TTCTCCTCAGGGGTCTCTCTTTTTGGCATGTCGGCCCTGTTACTCCCTGGGAACTTTGAG[T>G]CTTATTTGGAACTTGTGAAGTCCCTGTGTCTGGGGCCAGCACTGATCCACACAGCTAAGT-3'
Protein context (NP_002992.1, residues 88-108): SALLLPGNFE[Ser98Ala]YLELVKSLCL